The following is an entry in ClinVar:

NM_002430.3(MN1):c.3406C>T (p.Arg1136Cys)

Gene: MN1 (MN1 proto-oncogene, transcriptional regulator; minus strand). Cytogenetic location: 22q12.1.
Variant type: single nucleotide variant.
Coding change: c.3406C>T on transcript NM_002430.3 (MANE Select); coding-DNA position 3406, C replaced by T.
Protein change: p.Arg1136Cys; replaces arginine 1136 with cysteine.
Molecular consequence: missense variant.
Genome position (GRCh38, 1-based): chr22:27,797,138, G>A on the plus strand (C>T on the coding strand, the complement: MN1 is on the minus strand). VCF-style: chr22-27797138-G-A. GRCh37 (hg19) VCF-style: chr22-28193126-G-A.
Other names: short protein forms R1136C.
Identifiers: ClinVar variation 4860247 (VCV004860247.1).

ClinVar aggregate classification (germline): Uncertain significance (1 of 4 stars; one submission).

Conditions:
Inborn genetic diseases. Identifiers: MedGen C0950123, MeSH D030342.

gnomAD v4.1: 54 of 1,575,130 alleles (0.0034%); highest among the groups gnomAD compares: Non-Finnish European, 0.0046%; no homozygotes.

Submission:

Ambry Genetics
Classification: Uncertain significance for Inborn genetic diseases. Last evaluated: 2026-04-29. Review status: criteria provided, single submitter. Criteria: Ambry Variant Classification Scheme 2023. Collection method: clinical testing. Allele origin: germline.
Comment: The c.3406C>T (p.R1136C) alteration is located in exon 1 (coding exon 1) of the MN1 gene. This alteration results from a C to T substitution at nucleotide position 3406, causing the arginine (R) at amino acid position 1136 to be replaced by a cysteine (C). Based on data from gnomAD, the T allele has an overall frequency of 0.001% (1/173776) total alleles studied. The highest observed frequency was 0.001% (1/71390) of European (non-Finnish) alleles. Based on insufficient or conflicting evidence, the clinical significance of this alteration remains unclear.